The following is an entry in ClinVar:

ClinVar aggregate classification (germline): Pathogenic (1 of 4 stars; one submission).

Submission:

Labcorp Genetics (formerly Invitae), Labcorp
Classification: Pathogenic. Last evaluated: 2024-06-20. Review status: criteria provided, single submitter. Criteria: Invitae Variant Classification Sherloc (09022015). Collection method: clinical testing. Allele origin: germline.
Comment: This sequence change creates a premature translational stop signal (p.Ser187*) in the FH gene. It is expected to result in an absent or disrupted protein product. Loss-of-function variants in FH are known to be pathogenic (PMID: 11865300, 21398687). This variant is not present in population databases (gnomAD no frequency). This variant has not been reported in the literature in individuals affected with FH-related conditions. ClinVar contains an entry for this variant (Variation ID: 405935). Algorithms developed to predict the effect of sequence changes on RNA splicing suggest that this variant may disrupt the consensus splice site. For these reasons, this variant has been classified as Pathogenic.

Literature cited by the submitters: PubMed 11865300; PubMed 21398687.

NM_000143.4(FH):c.560C>A (p.Ser187Ter)

Gene: FH (fumarate hydratase; minus strand). Cytogenetic location: 1q43.
Variant type: single nucleotide variant.
Coding change: c.560C>A on transcript NM_000143.4 (MANE Select); coding-DNA position 560, C replaced by A.
Protein change: p.Ser187Ter; replaces serine 187 with a stop codon.
Molecular consequence: nonsense.
Genome position (GRCh38, 1-based): chr1:241,508,781, G>T on the plus strand (C>A on the coding strand, the complement: FH is on the minus strand). VCF-style: chr1-241508781-G-T. GRCh37 (hg19) VCF-style: chr1-241672081-G-T.
Other names: short protein forms S187*.
Identifiers: ClinVar variation 405935 (VCV000405935.9), dbSNP rs398123166, ClinGen allele CA16610114.